The following is an entry in ClinVar:

NM_198334.3(GANAB):c.630+13G>A

Gene: GANAB (glucosidase II alpha subunit; minus strand). Cytogenetic location: 11q12.3.
Variant type: single nucleotide variant.
Coding change: c.630+13G>A on transcript NM_198334.3 (MANE Select); 13 bases into the intron after coding-DNA position 630, G replaced by A.
Molecular consequence: intron variant.
Genome position (GRCh38, 1-based): chr11:62,633,432, C>T on the plus strand (G>A on the coding strand, the complement: GANAB is on the minus strand). VCF-style: chr11-62633432-C-T. GRCh37 (hg19) VCF-style: chr11-62400904-C-T.
Other names: c.288+13G>A (NM_001278193.2); c.354+13G>A (NM_001278192.2); c.339+13G>A (NM_001329223.2, NM_001278194.2, NM_001329222.2); c.-94+13G>A (NM_001329225.2, NM_001329224.2); c.696+13G>A (NM_198335.4).
Identifiers: ClinVar variation 3009299 (VCV003009299.3), dbSNP rs536058464, ClinGen allele CA6051000.

ClinVar aggregate classification (germline): Uncertain significance (1 of 4 stars; one submission).

Allele frequency attached by ClinVar (database versions not stated): gnomAD 0.00001; TOPMed 0.00002; 1000 Genomes Project 30x 0.00016; 1000 Genomes Project 0.00020.

Submission:

Labcorp Genetics (formerly Invitae), Labcorp
Classification: Uncertain significance. Last evaluated: 2023-11-01. Review status: criteria provided, single submitter. Criteria: Invitae Variant Classification Sherloc (09022015). Collection method: clinical testing. Allele origin: germline.
Comment: This sequence change falls in intron 7 of the GANAB gene. It does not directly change the encoded amino acid sequence of the GANAB protein. This variant is present in population databases (rs536058464, gnomAD 0.006%). This variant has not been reported in the literature in individuals affected with GANAB-related conditions. Algorithms developed to predict the effect of sequence changes on RNA splicing suggest that this variant may disrupt the consensus splice site. In summary, the available evidence is currently insufficient to determine the role of this variant in disease. Therefore, it has been classified as a Variant of Uncertain Significance.